The following is an entry in ClinVar:

ClinVar aggregate classification (germline): Uncertain significance (1 of 4 stars; one submission).

Conditions:
Rhabdoid tumor predisposition syndrome 2 (RTPS2). Identifiers: Orphanet 231108, Orphanet 69077, MedGen C2750074, MONDO:0013224, OMIM 613325.

Submission:

Labcorp Genetics (formerly Invitae), Labcorp
Classification: Uncertain significance for Rhabdoid tumor predisposition syndrome 2. Last evaluated: 2025-09-29. Review status: criteria provided, single submitter. Criteria: Invitae Variant Classification Sherloc (09022015). Collection method: clinical testing. Allele origin: germline.
Comment: This variant, c.2066_2068dup, results in the insertion of 1 amino acid(s) of the SMARCA4 protein (p.Lys689dup), but otherwise preserves the integrity of the reading frame. This variant is not present in population databases (gnomAD no frequency). This variant has not been reported in the literature in individuals affected with SMARCA4-related conditions. In summary, the available evidence is currently insufficient to determine the role of this variant in disease. Therefore, it has been classified as a Variant of Uncertain Significance.

NM_003072.5(SMARCA4):c.2057AGA[5] (p.Lys689_Ile690insLys)

Gene: SMARCA4 (SWI/SNF related BAF chromatin remodeling complex subunit ATPase 4; plus strand). Cytogenetic location: 19p13.2.
Variant type: Microsatellite.
Coding change: c.2057AGA[5] on transcript NM_003072.5 (MANE Select); five copies in a row of the 3-base unit AGA starting at c.2057; the reference has four copies in a row; one copy, 3 bases duplicated.
Protein change: p.Lys689_Ile690insLys.
Molecular consequence: inframe insertion. On other transcripts: non-coding transcript variant (1).
Genome position (GRCh38, 1-based): chr19:11,007,966-11,007,968, AGA duplicated; duplicating any 3 consecutive bases within chr19:11,007,957-11,007,968 gives the same sequence; the position shown is the placement nearest the transcript's 3' end. VCF-style (leftmost placement, unchanged base first): chr19-11007956-G-GAGA. GRCh37 (hg19) VCF-style: chr19-11118632-G-GAGA.
Other names: c.2057AGA[5], p.Lys689_Ile690insLys (NM_001128844.3, NM_001128845.2, NM_001128846.2 and 6 more transcripts).
Identifiers: ClinVar variation 4748735 (VCV004748735.1).